The following is an entry in ClinVar:

ClinVar aggregate classification (germline): Uncertain significance. Review status: criteria provided, multiple submitters, no conflicts (2 of 4 stars). 4 submissions from 4 submitters: Uncertain significance (4). Last evaluated 2025-11-20.

Conditions:
Inborn genetic diseases. Identifiers: MedGen C0950123, MeSH D030342.
Bethlem myopathy 1A. Also called: MYOPATHY, BENIGN CONGENITAL, WITH CONTRACTURES; Bethlem Muscular Dystrophy; Bethlem myopathy 1. Identifiers: Orphanet 610, MedGen CN029274, MONDO:0024530, OMIM 158810.

Allele frequency attached by ClinVar (database versions not stated): ExAC 0.00003.

Submissions (4):

Ambry Genetics
Classification: Uncertain significance for Inborn genetic diseases. Last evaluated: 2025-11-20. Review status: criteria provided, single submitter. Criteria: Ambry Variant Classification Scheme 2023. Collection method: clinical testing. Allele origin: germline.

Labcorp Genetics (formerly Invitae), Labcorp
Classification: Uncertain significance for Bethlem myopathy 1A. Last evaluated: 2025-10-09. Review status: criteria provided, single submitter. Criteria: Invitae Variant Classification Sherloc (09022015). Collection method: clinical testing. Allele origin: germline.
Comment: This sequence change replaces alanine, which is neutral and non-polar, with aspartic acid, which is acidic and polar, at codon 673 of the COL6A2 protein (p.Ala673Asp). This variant is present in population databases (rs748059929, gnomAD 0.03%). This variant has not been reported in the literature in individuals affected with COL6A2-related conditions. ClinVar contains an entry for this variant (Variation ID: 2037017). Invitae Evidence Modeling of protein sequence and biophysical properties (such as structural, functional, and spatial information, amino acid conservation, physicochemical variation, residue mobility, and thermodynamic stability) has been performed for this missense variant. However, the output from this modeling did not meet the statistical confidence thresholds required to predict the impact of this variant on COL6A2 protein function. In summary, the available evidence is currently insufficient to determine the role of this variant in disease. Therefore, it has been classified as a Variant of Uncertain Significance.

Revvity Omics, Revvity
Classification: Uncertain significance. Last evaluated: 2024-07-25. Review status: criteria provided, single submitter. Criteria: ACMG Guidelines, 2015. Collection method: clinical testing. Allele origin: germline.

Blueprint Genetics
Classification: Uncertain significance. Last evaluated: 2022-11-08. Review status: criteria provided, single submitter. Criteria: ACMG Guidelines, 2015. Collection method: clinical testing. Allele origin: germline.

NM_001849.4(COL6A2):c.2018C>A (p.Ala673Asp)

Gene: COL6A2 (collagen type VI alpha 2 chain; plus strand). Cytogenetic location: 21q22.3.
Variant type: single nucleotide variant.
Coding change: c.2018C>A on transcript NM_001849.4 (MANE Select); coding-DNA position 2018, C replaced by A.
Protein change: p.Ala673Asp; replaces alanine 673 with aspartic acid.
Molecular consequence: missense variant.
Genome position (GRCh38, 1-based): chr21:46,125,833, C>A. VCF-style: chr21-46125833-C-A. GRCh37 (hg19) VCF-style: chr21-47545747-C-A.
Other names: c.2018C>A, p.Ala673Asp (NM_058174.3, NM_058175.3); short protein forms A673D.
Identifiers: ClinVar variation 2037017 (VCV002037017.7), dbSNP rs748059929, ClinGen allele CA10072411.
Genomic context (GRCh38, chr21:46,125,833, plus strand): 5'-TGCGGCTTGCAGGGACGCGTGTGGGCGTGGTGCAGTACAGCCACGAGGGCACCTTTGAGG[C>A]CATCCAGCTGGACGACGAACGTATCGACTCCCTGTCGAGCTTCAAGGAGGCTGTCAAGAA-3'
Protein context (NP_001840.3, residues 663-683): VQYSHEGTFE[Ala673Asp]IQLDDERIDS